The following is an entry in ClinVar:

NM_018012.4(KIF26B):c.4325T>G (p.Leu1442Arg)

Gene: KIF26B (kinesin family member 26B; plus strand). Cytogenetic location: 1q44.
Variant type: single nucleotide variant.
Coding change: c.4325T>G on transcript NM_018012.4 (MANE Select); coding-DNA position 4325, T replaced by G.
Protein change: p.Leu1442Arg; replaces leucine 1442 with arginine.
Molecular consequence: missense variant.
Genome position (GRCh38, 1-based): chr1:245,687,308, T>G. VCF-style: chr1-245687308-T-G. GRCh37 (hg19) VCF-style: chr1-245850610-T-G.
Other names: short protein forms L1442R.
Identifiers: ClinVar variation 767773 (VCV000767773.6), dbSNP rs142809905, ClinGen allele CA1488448.

ClinVar aggregate classification (germline): Benign. Review status: criteria provided, single submitter (1 of 4 stars). 2 submissions from 2 submitters: Benign (1). 1 of the submissions does not count toward it. Last evaluated 2019-12-31.

Conditions:
KIF26B-related disorder. Also called: KIF26B-related condition.

Allele frequency attached by ClinVar (database versions not stated): gnomAD exomes 0.00117 and 0.00295; ExAC 0.00523; gnomAD 0.01229 and 0.01328; TOPMed 0.01328; 1000 Genomes Project 0.01378; ESP Exome Variant Server 0.01383; 1000 Genomes Project 30x 0.01437.
gnomAD v4.1: 3,607 of 1,605,092 alleles (0.22%); highest among the groups gnomAD compares: African/African-American, 4.3%; 69 homozygotes.

Submissions (2):

Labcorp Genetics (formerly Invitae), Labcorp
Classification: Benign. Last evaluated: 2019-12-31. Review status: criteria provided, single submitter. Criteria: Invitae Variant Classification Sherloc (09022015). Collection method: clinical testing. Allele origin: germline.

PreventionGenetics, part of Exact Sciences
Classification: Benign for KIF26B-related condition. Last evaluated: 2019-03-21. Review status: no assertion criteria provided. Collection method: clinical testing. Allele origin: germline. Not counted in ClinVar's aggregate classification.
Comment: This variant is classified as benign based on ACMG/AMP sequence variant interpretation guidelines (Richards et al. 2015 PMID: 25741868, with internal and published modifications).